The following is an entry in ClinVar:

ClinVar aggregate classification (germline): Benign/Likely benign. Review status: criteria provided, multiple submitters, no conflicts (2 of 4 stars). 4 submissions from 4 submitters: Benign (3); Likely benign (1). Last evaluated 2026-02-02.

Conditions:
Vanishing white matter disease. Also called: CACH syndrome; Childhood ataxia with diffuse central nervous system hypomyelination; Leukoencephalopathy with vanishing white matter; CACH/VWM syndrome; Cree leukoencehalopathy. Identifiers: Orphanet 135, Orphanet 99853, MedGen C1858991, MONDO:0800448.

Allele frequency attached by ClinVar (database versions not stated): ESP Exome Variant Server 0.00008; gnomAD exomes 0.00373 and 0.00190; TOPMed 0.00025; 1000 Genomes Project 0.00699; gnomAD 0.00010 and 0.00108; ExAC 0.00431; 1000 Genomes Project 30x 0.00671.
gnomAD v4.1: 2,938 of 1,613,472 alleles (0.18%); highest among the groups gnomAD compares: South Asian, 2.9%; 75 homozygotes.

Submissions (4):

Labcorp Genetics (formerly Invitae), Labcorp
Classification: Benign. Last evaluated: 2026-02-02. Review status: criteria provided, single submitter. Criteria: Invitae Variant Classification Sherloc (09022015). Collection method: clinical testing. Allele origin: germline.

Mayo Clinic Laboratories, Mayo Clinic
Classification: Benign. Last evaluated: 2024-12-26. Review status: criteria provided, single submitter. Criteria: ACMG Guidelines, 2015. Collection method: clinical testing. Allele origin: germline. Observed: 1 variant allele.
Comment: BS1, BS2, BP4, BP7

Illumina Laboratory Services, Illumina
Classification: Benign for Leukoencephalopathy with vanishing white matter 1. Last evaluated: 2018-01-13. Review status: criteria provided, single submitter. Criteria: ICSL Variant Classification Criteria 13 December 2019. Collection method: clinical testing. Allele origin: germline.
Comment: This variant was observed in the ICSL laboratory as part of a predisposition screen in an ostensibly healthy population. It had not been previously curated by ICSL or reported in the Human Gene Mutation Database (HGMD: prior to June 1st, 2018), and was therefore a candidate for classification through an automated scoring system. Utilizing variant allele frequency, disease prevalence and penetrance estimates, and inheritance mode, an automated score was calculated to assess if this variant is too frequent to cause the disease. Based on the score and internal cut-off values, a variant classified as benign is not then subjected to further curation. The score for this variant resulted in a classification of benign for this disease.

PreventionGenetics, part of Exact Sciences
Classification: Likely benign. Review status: criteria provided, single submitter. Criteria: ACMG Guidelines, 2015. Collection method: clinical testing. Allele origin: germline.

NM_020365.5(EIF2B3):c.633C>T (p.Ile211=)

Gene: EIF2B3 (eukaryotic translation initiation factor 2B subunit gamma; minus strand). Cytogenetic location: 1p34.1.
Variant type: single nucleotide variant.
Coding change: c.633C>T on transcript NM_020365.5 (MANE Select); coding-DNA position 633, C replaced by T.
Protein change: p.Ile211=; no amino-acid change (isoleucine 211 retained).
Molecular consequence: synonymous variant.
Genome position (GRCh38, 1-based): chr1:44,897,378, G>A on the plus strand (C>T on the coding strand, the complement: EIF2B3 is on the minus strand). VCF-style: chr1-44897378-G-A. GRCh37 (hg19) VCF-style: chr1-45363050-G-A.
Other names: p.Ile211=; c.633C>T, p.Ile211= (NM_001166588.3, NM_001261418.2).
Identifiers: ClinVar variation 261221 (VCV000261221.15), dbSNP rs139526549, ClinGen allele CA823965.